The following is an entry in ClinVar:

NM_001363540.2(DOCK4):c.1327T>G (p.Ser443Ala)

Gene: DOCK4 (dedicator of cytokinesis 4; minus strand). Cytogenetic location: 7q31.1.
Variant type: single nucleotide variant.
Coding change: c.1327T>G on transcript NM_001363540.2 (MANE Select); coding-DNA position 1327, T replaced by G.
Protein change: p.Ser443Ala; replaces serine 443 with alanine.
Molecular consequence: missense variant.
Genome position (GRCh38, 1-based): chr7:111,900,527, A>C on the plus strand (T>G on the coding strand, the complement: DOCK4 is on the minus strand). VCF-style: chr7-111900527-A-C. GRCh37 (hg19) VCF-style: chr7-111540583-A-C.
Other names: c.1327T>G, p.Ser443Ala (NM_014705.4); short protein forms S443A.
Identifiers: ClinVar variation 3085009 (VCV003085009.3), dbSNP rs761659475, ClinGen allele CA4442440.

ClinVar aggregate classification (germline): Conflicting classifications of pathogenicity. Review status: criteria provided, conflicting classifications (1 of 4 stars). 2 submissions from 2 submitters: Uncertain significance (1); Likely benign (1). Last evaluated 2026-04-01.

Allele frequency attached by ClinVar (database versions not stated): ExAC 0.00001; gnomAD 0.00001; gnomAD exomes 0.00001.
gnomAD v4.1: 4 of 1,610,380 alleles (0.00025%); highest among the groups gnomAD compares: East Asian, 0.0089%; no homozygotes.

Submissions (2):

CeGaT Center for Human Genetics Tuebingen
Classification: Likely benign. Last evaluated: 2026-04-01. Review status: criteria provided, single submitter. Criteria: CeGaT Center For Human Genetics Tuebingen Variant Classification Criteria Version 2. Collection method: clinical testing. Allele origin: germline. Affected: yes. Observed: 1 variant allele.
Comment: DOCK4: BP4

Ambry Genetics
Classification: Uncertain significance. Last evaluated: 2024-01-31. Review status: criteria provided, single submitter. Criteria: Ambry Variant Classification Scheme 2023. Collection method: clinical testing. Allele origin: germline.